The following is an entry in ClinVar:

ClinVar aggregate classification (germline): Uncertain significance (1 of 4 stars; one submission).

Submission:

Ambry Genetics
Classification: Uncertain significance. Last evaluated: 2022-09-21. Review status: criteria provided, single submitter. Criteria: Ambry Variant Classification Scheme 2023. Collection method: clinical testing. Allele origin: germline.
Comment: The p.L3197P variant (also known as c.9590T>C), located in coding exon 69 of the PRKDC gene, results from a T to C substitution at nucleotide position 9590. The leucine at codon 3197 is replaced by proline, an amino acid with similar properties. This amino acid position is conserved. Since supporting evidence is limited at this time, the clinical significance of this alteration remains unclear.

NM_006904.7(PRKDC):c.9590T>C (p.Leu3197Pro)

Gene: PRKDC (protein kinase, DNA-activated, catalytic subunit; minus strand). Cytogenetic location: 8q11.21.
Variant type: single nucleotide variant.
Coding change: c.9590T>C on transcript NM_006904.7 (MANE Select); coding-DNA position 9590, T replaced by C.
Protein change: p.Leu3197Pro; replaces leucine 3197 with proline.
Molecular consequence: missense variant.
Genome position (GRCh38, 1-based): chr8:47,807,294, A>G on the plus strand (T>C on the coding strand, the complement: PRKDC is on the minus strand). VCF-style: chr8-47807294-A-G. GRCh37 (hg19) VCF-style: chr8-48719855-A-G.
Other names: c.9590T>C, p.Leu3197Pro (NM_001081640.2); short protein forms L3197P.
Identifiers: ClinVar variation 1767483 (VCV001767483.2), dbSNP rs2551863840, ClinGen allele CA371137693.